The following is an entry in ClinVar:

ClinVar aggregate classification (germline): Uncertain significance (1 of 4 stars; one submission).

Conditions:
Dyskeratosis congenita. Identifiers: Orphanet 1775, MedGen C0265965, MONDO:0015780.

Submission:

Ambry Genetics
Classification: Uncertain significance for Dyskeratosis congenita. Last evaluated: 2025-02-24. Review status: criteria provided, single submitter. Criteria: Ambry Variant Classification Scheme 2023. Collection method: clinical testing. Allele origin: germline.
Comment: The p.R194L variant (also known as c.581G>T), located in coding exon 2 of the TERT gene, results from a G to T substitution at nucleotide position 581. The arginine at codon 194 is replaced by leucine, an amino acid with dissimilar properties. This amino acid position is conserved. In addition, this alteration is predicted to be tolerated by in silico analysis. Based on the available evidence, the clinical significance of this variant remains unclear.

NM_198253.3(TERT):c.581G>T (p.Arg194Leu)

Gene: TERT (telomerase reverse transcriptase; minus strand). Cytogenetic location: 5p15.33.
Variant type: single nucleotide variant.
Coding change: c.581G>T on transcript NM_198253.3 (MANE Select); coding-DNA position 581, G replaced by T.
Protein change: p.Arg194Leu; replaces arginine 194 with leucine.
Molecular consequence: missense variant. On other transcripts: non-coding transcript variant (2).
Genome position (GRCh38, 1-based): chr5:1,294,305, C>A on the plus strand (G>T on the coding strand, the complement: TERT is on the minus strand). VCF-style: chr5-1294305-C-A. GRCh37 (hg19) VCF-style: chr5-1294420-C-A.
Other names: c.581G>T, p.Arg194Leu (NM_001193376.3); short protein forms R194L.
Identifiers: ClinVar variation 3805799 (VCV003805799.1).